The following is an entry in ClinVar:

ClinVar aggregate classification (germline): Uncertain significance. Review status: criteria provided, multiple submitters, no conflicts (2 of 4 stars). 3 submissions from 3 submitters: Uncertain significance (3). Last evaluated 2023-04-11.

Conditions:
Hereditary insensitivity to pain with anhidrosis (CIPA). Also called: INSENSITIVITY TO PAIN, CONGENITAL, WITH ANHIDROSIS; NTRK1 Congenital Insensitivity to Pain with Anhidrosis; HSAN Type IV; hereditary sensory and autonomic neuropathy type 4; FAMILIAL DYSAUTONOMIA, TYPE II; NEUROPATHY, CONGENITAL SENSORY, WITH ANHIDROSIS. Identifiers: Orphanet 642, MedGen C0020074, MONDO:0009746, OMIM 256800.

Allele frequency attached by ClinVar (database versions not stated): ExAC 0.00003.
gnomAD v4.1: 7 of 1,588,832 alleles (0.00044%); highest among the groups gnomAD compares: Admixed American, 0.0071%; no homozygotes.

Submissions (3):

Genome-Nilou Lab
Classification: Uncertain significance for Hereditary insensitivity to pain with anhidrosis. Last evaluated: 2023-04-11. Review status: criteria provided, single submitter. Criteria: ACMG Guidelines, 2015. Collection method: clinical testing. Allele origin: germline. Affected: no.

GeneDx
Classification: Uncertain significance. Last evaluated: 2022-09-04. Review status: criteria provided, single submitter. Criteria: GeneDx Variant Classification Process June 2021. Collection method: clinical testing. Allele origin: germline. Affected: yes.
Comment: In silico analysis supports that this missense variant has a deleterious effect on protein structure/function; Has not been previously published as pathogenic or benign to our knowledge

Labcorp Genetics (formerly Invitae), Labcorp
Classification: Uncertain significance for Hereditary insensitivity to pain with anhidrosis. Last evaluated: 2022-08-03. Review status: criteria provided, single submitter. Criteria: Invitae Variant Classification Sherloc (09022015). Collection method: clinical testing. Allele origin: germline.
Comment: This sequence change replaces arginine, which is basic and polar, with leucine, which is neutral and non-polar, at codon 742 of the NTRK1 protein (p.Arg742Leu). The frequency data for this variant in the population databases is considered unreliable, as metrics indicate poor data quality at this position in the gnomAD database. This variant has not been reported in the literature in individuals affected with NTRK1-related conditions. Advanced modeling of protein sequence and biophysical properties (such as structural, functional, and spatial information, amino acid conservation, physicochemical variation, residue mobility, and thermodynamic stability) performed at Invitae indicates that this missense variant is not expected to disrupt NTRK1 protein function. In summary, the available evidence is currently insufficient to determine the role of this variant in disease. Therefore, it has been classified as a Variant of Uncertain Significance.

NM_002529.4(NTRK1):c.2243G>T (p.Arg748Leu)

Gene: NTRK1 (neurotrophic receptor tyrosine kinase 1; plus strand). Cytogenetic location: 1q23.1.
Variant type: single nucleotide variant.
Coding change: c.2243G>T on transcript NM_002529.4 (MANE Select); coding-DNA position 2243, G replaced by T.
Protein change: p.Arg748Leu; replaces arginine 748 with leucine.
Molecular consequence: missense variant.
Genome position (GRCh38, 1-based): chr1:156,881,494, G>T. VCF-style: chr1-156881494-G-T. GRCh37 (hg19) VCF-style: chr1-156851286-G-T.
Other names: c.2243G>T, p.Arg748Leu (NM_001007204.1); c.2135G>T, p.Arg712Leu (NM_001007792.1); c.2225G>T, p.Arg742Leu (NM_001012331.2); short protein forms R742L, R748L, R712L.
Identifiers: ClinVar variation 2154713 (VCV002154713.3), dbSNP rs745776726, ClinGen allele CA1169613.